The following is an entry in ClinVar:

NM_001844.5(COL2A1):c.2586C>T (p.Ala862=)

Gene: COL2A1 (collagen type II alpha 1 chain; minus strand). Cytogenetic location: 12q13.11.
Variant type: single nucleotide variant.
Coding change: c.2586C>T on transcript NM_001844.5 (MANE Select); coding-DNA position 2586, C replaced by T.
Protein change: p.Ala862=; no amino-acid change (alanine 862 retained).
Molecular consequence: synonymous variant.
Genome position (GRCh38, 1-based): chr12:47,980,593, G>A on the plus strand (C>T on the coding strand, the complement: COL2A1 is on the minus strand). VCF-style: chr12-47980593-G-A. GRCh37 (hg19) VCF-style: chr12-48374376-G-A.
Other names: c.2379C>T, p.Ala793= (NM_033150.3); c.2586C>T (NM_001844.4).
Identifiers: ClinVar variation 1559728 (VCV001559728.10), dbSNP rs759022222, ClinGen allele CA6535050.

ClinVar aggregate classification (germline): Likely benign. Review status: criteria provided, multiple submitters, no conflicts (2 of 4 stars). 3 submissions from 3 submitters: Likely benign (3). Last evaluated 2025-05-18.

Conditions:
COL2A1-related disorder. Also called: COL2A1-related condition; COL2A1-related disorders.

Allele frequency attached by ClinVar (database versions not stated): gnomAD 0.00001 and 0.00002; gnomAD exomes 0.00002; TOPMed 0.00002; ExAC 0.00005.
gnomAD v4.1: 68 of 1,612,562 alleles (0.0042%); highest among the groups gnomAD compares: Non-Finnish European, 0.0056%; no homozygotes.

Submissions (3):

Labcorp Genetics (formerly Invitae), Labcorp
Classification: Likely benign. Last evaluated: 2025-05-18. Review status: criteria provided, single submitter. Criteria: Invitae Variant Classification Sherloc (09022015). Collection method: clinical testing. Allele origin: germline.

PreventionGenetics, part of Exact Sciences
Classification: Likely benign for COL2A1-related condition. Last evaluated: 2025-02-12. Review status: criteria provided, single submitter. Criteria: ACMG Guidelines, 2015. Collection method: clinical testing. Allele origin: germline.
Comment: This variant is classified as likely benign based on ACMG/AMP sequence variant interpretation guidelines (Richards et al. 2015 PMID: 25741868, with internal and published modifications).

Blueprint Genetics
Classification: Likely benign. Last evaluated: 2022-08-17. Review status: criteria provided, single submitter. Criteria: ACMG Guidelines, 2015. Collection method: clinical testing. Allele origin: germline.